The following is an entry in ClinVar:

NM_017636.4(TRPM4):c.508G>A (p.Val170Ile)

Gene: TRPM4 (transient receptor potential cation channel subfamily M member 4; plus strand). Cytogenetic location: 19q13.33.
Variant type: single nucleotide variant.
Coding change: c.508G>A on transcript NM_017636.4 (MANE Select); coding-DNA position 508, G replaced by A.
Protein change: p.Val170Ile; replaces valine 170 with isoleucine.
Molecular consequence: missense variant. On other transcripts: 5 prime UTR variant (2), intron variant (2).
Genome position (GRCh38, 1-based): chr19:49,168,319, G>A. VCF-style: chr19-49168319-G-A. GRCh37 (hg19) VCF-style: chr19-49671576-G-A.
Other names: c.508G>A, p.Val170Ile (NM_001195227.2); c.-1046G>A (NM_001321282.2); c.-15G>A (NM_001321283.2); c.268-234G>A (NM_001321281.2); c.-237-234G>A (NM_001321285.2); short protein forms V170I.
Identifiers: ClinVar variation 1745262 (VCV001745262.2), dbSNP rs760314477, ClinGen allele CA9568852.

ClinVar aggregate classification (germline): Uncertain significance (1 of 4 stars; one submission).

Conditions:
Cardiovascular phenotype. Identifiers: MedGen CN230736.

Allele frequency attached by ClinVar (database versions not stated): gnomAD exomes 0.00001; TOPMed 0.00001; ExAC 0.00002.
gnomAD v4.1: 3 of 1,614,160 alleles (0.00019%); highest among the groups gnomAD compares: Non-Finnish European, 0.00025%; no homozygotes.

Submission:

Ambry Genetics
Classification: Uncertain significance for Cardiovascular phenotype. Last evaluated: 2019-10-11. Review status: criteria provided, single submitter. Criteria: Ambry Variant Classification Scheme 2023. Collection method: clinical testing. Allele origin: germline.
Comment: The p.V170I variant (also known as c.508G>A), located in coding exon 5 of the TRPM4 gene, results from a G to A substitution at nucleotide position 508. The valine at codon 170 is replaced by isoleucine, an amino acid with highly similar properties. This amino acid position is highly conserved in available vertebrate species. In addition, this alteration is predicted to be tolerated by in silico analysis. Since supporting evidence is limited at this time, the clinical significance of this alteration remains unclear.